The following is an entry in ClinVar:

ClinVar aggregate classification (germline): Pathogenic/Likely pathogenic. Review status: criteria provided, multiple submitters, no conflicts (2 of 4 stars). 3 submissions from 3 submitters: Pathogenic (1); Likely pathogenic (2). Last evaluated 2024-03-26.

Conditions:
Cardiovascular phenotype. Identifiers: MedGen CN230736.

Allele frequency attached by ClinVar (database versions not stated): gnomAD exomes below 0.00001 and 0.00001; TOPMed 0.00002; ExAC 0.00003; gnomAD 0.00004; ESP Exome Variant Server 0.00016.

Submissions (3):

Labcorp Genetics (formerly Invitae), Labcorp
Classification: Pathogenic. Last evaluated: 2024-03-26. Review status: criteria provided, single submitter. Criteria: Invitae Variant Classification Sherloc (09022015). Collection method: clinical testing. Allele origin: germline.
Comment: This sequence change creates a premature translational stop signal (p.Phe441Leufs*25) in the LMF1 gene. It is expected to result in an absent or disrupted protein product. Loss-of-function variants in LMF1 are known to be pathogenic (PMID: 17994020, 19820022, 22239554). This variant is present in population databases (rs760536168, gnomAD 0.02%). This variant has not been reported in the literature in individuals affected with LMF1-related conditions. ClinVar contains an entry for this variant (Variation ID: 1677611). For these reasons, this variant has been classified as Pathogenic.

AiLife Diagnostics
Classification: Likely pathogenic. Last evaluated: 2021-10-29. Review status: criteria provided, single submitter. Criteria: ACMG Guidelines, 2015. Collection method: clinical testing. Allele origin: germline. Affected: yes. Observed: 1 variant allele.

Ambry Genetics
Classification: Likely pathogenic for Cardiovascular phenotype. Last evaluated: 2019-05-03. Review status: criteria provided, single submitter. Criteria: Ambry Variant Classification Scheme 2023. Collection method: clinical testing. Allele origin: germline.
Comment: The c.1323delC variant, located in coding exon 9 of the LMF1 gene, results from a deletion of one nucleotide at nucleotide position 1323, causing a translational frameshift with a predicted alternate stop codon (p.F441Lfs*25). This alteration is expected to result in loss of function by premature protein truncation or nonsense-mediated mRNA decay. While not definitively established, loss of function is likely the mechanism of disease for LMF1. As such, this variant is likely to be pathogenic.

Literature cited by the submitters: PubMed 17994020 (cited by Labcorp Genetics (formerly Invitae), Labcorp); PubMed 19820022 (cited by Labcorp Genetics (formerly Invitae), Labcorp); PubMed 22239554 (cited by Labcorp Genetics (formerly Invitae), Labcorp).

NM_022773.4(LMF1):c.1323del (p.Phe441fs)

Gene: LMF1 (lipase maturation factor 1; minus strand). Cytogenetic location: 16p13.3.
Variant type: Deletion.
Coding change: c.1323del on transcript NM_022773.4 (MANE Select); coding-DNA position 1323, one base deleted (C; older notation c.1323delC).
Protein change: p.Phe441fs; shifts the reading frame from phenylalanine 441.
Molecular consequence: frameshift variant. On other transcripts: non-coding transcript variant (1).
Genome position (GRCh38, 1-based): chr16:869,976, G deleted on the plus strand (C on the coding strand, the reverse complement: LMF1 is on the minus strand). VCF-style (leftmost placement, unchanged base first): chr16-869975-TG-T. GRCh37 (hg19) VCF-style: chr16-919975-TG-T.
Other names: c.672del, p.Phe224fs (NM_001352017.2, NM_001352021.2); c.924del, p.Phe308fs (NM_001352018.2); c.996del, p.Phe332fs (NM_001352019.2); c.1323del, p.Phe441fs (NM_001352020.1); short protein forms F224fs, F308fs, F332fs, F441fs.
Identifiers: ClinVar variation 1677611 (VCV001677611.5), dbSNP rs760536168, ClinGen allele CA7797067.